The following is an entry in ClinVar:

NM_001060.6(TBXA2R):c.823G>C (p.Ala275Pro)

Gene: TBXA2R (thromboxane A2 receptor; minus strand). Cytogenetic location: 19p13.3.
Variant type: single nucleotide variant.
Coding change: c.823G>C on transcript NM_001060.6 (MANE Select); coding-DNA position 823, G replaced by C.
Protein change: p.Ala275Pro; replaces alanine 275 with proline.
Molecular consequence: missense variant.
Genome position (GRCh38, 1-based): chr19:3,595,897, C>G on the plus strand (G>C on the coding strand, the complement: TBXA2R is on the minus strand). VCF-style: chr19-3595897-C-G. GRCh37 (hg19) VCF-style: chr19-3595895-C-G.
Other names: c.823G>C, p.Ala275Pro (NM_201636.3); short protein forms A275P.
Identifiers: ClinVar variation 2990297 (VCV002990297.4), dbSNP rs748532736, ClinGen allele CA9080767.

ClinVar aggregate classification (germline): Uncertain significance. Review status: criteria provided, multiple submitters, no conflicts (2 of 4 stars). 2 submissions from 2 submitters: Uncertain significance (2). Last evaluated 2025-06-13.

Conditions:
Inborn genetic diseases. Identifiers: MedGen C0950123, MeSH D030342.

Allele frequency attached by ClinVar (database versions not stated): ExAC 0.00001; gnomAD 0.00002; TOPMed 0.00002.
gnomAD v4.1: 23 of 1,605,112 alleles (0.0014%); highest among the groups gnomAD compares: African/African-American, 0.0027%; no homozygotes.

Submissions (2):

Labcorp Genetics (formerly Invitae), Labcorp
Classification: Uncertain significance. Last evaluated: 2025-06-13. Review status: criteria provided, single submitter. Criteria: Invitae Variant Classification Sherloc (09022015). Collection method: clinical testing. Allele origin: germline.
Comment: This sequence change replaces alanine, which is neutral and non-polar, with proline, which is neutral and non-polar, at codon 275 of the TBXA2R protein (p.Ala275Pro). This variant is present in population databases (rs748532736, gnomAD 0.004%). This variant has not been reported in the literature in individuals affected with TBXA2R-related conditions. ClinVar contains an entry for this variant (Variation ID: 2990297). An algorithm developed to predict the effect of missense changes on protein structure and function (PolyPhen-2) suggests that this variant is likely to be tolerated. In summary, the available evidence is currently insufficient to determine the role of this variant in disease. Therefore, it has been classified as a Variant of Uncertain Significance.

Ambry Genetics
Classification: Uncertain significance for Inborn genetic diseases. Last evaluated: 2025-04-12. Review status: criteria provided, single submitter. Criteria: Ambry Variant Classification Scheme 2023. Collection method: clinical testing. Allele origin: germline.